The following is an entry in ClinVar:

NM_022168.4(IFIH1):c.2426T>C (p.Leu809Pro)

Gene: IFIH1 (interferon induced with helicase C domain 1; minus strand). Cytogenetic location: 2q24.2.
Variant type: single nucleotide variant.
Coding change: c.2426T>C on transcript NM_022168.4 (MANE Select); coding-DNA position 2426, T replaced by C.
Protein change: p.Leu809Pro; replaces leucine 809 with proline.
Molecular consequence: missense variant.
Genome position (GRCh38, 1-based): chr2:162,273,823, A>G on the plus strand (T>C on the coding strand, the complement: IFIH1 is on the minus strand). VCF-style: chr2-162273823-A-G. GRCh37 (hg19) VCF-style: chr2-163130333-A-G.
Other names: short protein forms L809P.
Identifiers: ClinVar variation 2933504 (VCV002933504.3), dbSNP rs2468954445, ClinGen allele CA348995755.
Genomic context (GRCh38, chr2:162,273,823, plus strand): 5'-TTAACATAGTAAGTAGAGGTATTTGAATGTACCTGGACCATGGCTATTTCATTGGTGACG[A>G]GACCATAACGGATAACAATGTTACATTCTTTAATATCCAGACCTTCTTCTGCCACTGTGG-3'
Protein context (NP_071451.2, residues 799-819): KECNIVIRYG[Leu809Pro]VTNEIAMVQA

ClinVar aggregate classification (germline): Uncertain significance (1 of 4 stars; one submission).

Conditions:
Singleton-Merten syndrome 1 (SGMRT1). Also called: Widened medullary cavities of bone, aortic calcification, abnormal dentition, and muscular weakness; Syndrome of widened medullary cavities of the metacarpals and phalanges, aortic calcification and abnormal dentition. Identifiers: Orphanet 85191, MedGen C4225427, MONDO:0024535, OMIM 182250.
Aicardi-Goutieres syndrome 7 (AGS7). Identifiers: Orphanet 51, MedGen C3888244, MONDO:0014367, OMIM 615846.

Submission:

Labcorp Genetics (formerly Invitae), Labcorp
Classification: Uncertain significance for Aicardi-Goutieres syndrome 7; Singleton-Merten syndrome 1. Last evaluated: 2022-11-08. Review status: criteria provided, single submitter. Criteria: Invitae Variant Classification Sherloc (09022015). Collection method: clinical testing. Allele origin: germline.
Comment: This sequence change replaces leucine, which is neutral and non-polar, with proline, which is neutral and non-polar, at codon 809 of the IFIH1 protein (p.Leu809Pro). This variant is not present in population databases (gnomAD no frequency). In summary, the available evidence is currently insufficient to determine the role of this variant in disease. Therefore, it has been classified as a Variant of Uncertain Significance. Advanced modeling of protein sequence and biophysical properties (such as structural, functional, and spatial information, amino acid conservation, physicochemical variation, residue mobility, and thermodynamic stability) has been performed at Invitae for this missense variant, however the output from this modeling did not meet the statistical confidence thresholds required to predict the impact of this variant on IFIH1 protein function. This variant has not been reported in the literature in individuals affected with IFIH1-related conditions.